The following is an entry in ClinVar:

NM_001048174.2(MUTYH):c.1193G>A (p.Arg398His)

Gene: MUTYH (mutY DNA glycosylase; minus strand). Cytogenetic location: 1p34.1.
Variant type: single nucleotide variant.
Coding change: c.1193G>A on transcript NM_001048174.2 (MANE Select); coding-DNA position 1193, G replaced by A.
Protein change: p.Arg398His; replaces arginine 398 with histidine.
Molecular consequence: missense variant. On other transcripts: non-coding transcript variant (2).
Genome position (GRCh38, 1-based): chr1:45,331,466, C>T on the plus strand (G>A on the coding strand, the complement: MUTYH is on the minus strand). VCF-style: chr1-45331466-C-T. GRCh37 (hg19) VCF-style: chr1-45797138-C-T.
Other names: c.1193G>A, p.Arg398His (NM_001048171.2, NM_001048173.2, NM_001293195.2); c.1196G>A, p.Arg399His (NM_001048172.2); c.1277G>A, p.Arg426His (NM_001128425.2); c.1238G>A, p.Arg413His (NM_001293190.2); c.1226G>A, p.Arg409His (NM_001293191.2); c.917G>A, p.Arg306His (NM_001293192.2, NM_001293196.2); c.848G>A, p.Arg283His (NM_001350650.2, NM_001350651.2); c.1268G>A, p.Arg423His (NM_012222.3); short protein forms R426H, R409H, R423H, R306H, R283H, R398H, R399H, R413H.
Identifiers: ClinVar variation 480008 (VCV000480008.28), dbSNP rs748700385, ClinGen allele CA055805.

ClinVar aggregate classification (germline): Conflicting classifications of pathogenicity. Review status: criteria provided, conflicting classifications (1 of 4 stars). 8 submissions from 8 submitters: Uncertain significance (7); Benign (1). Last evaluated 2025-12-29.

Conditions:
Hereditary cancer-predisposing syndrome. Also called: Hereditary neoplastic syndrome; Hereditary Cancer Syndrome; Neoplastic Syndromes, Hereditary; Tumor predisposition. Identifiers: Orphanet 140162, MedGen C0027672, MeSH D009386, MONDO:0015356.
Familial adenomatous polyposis 2. Also called: MYH-associated polyposis; COLORECTAL ADENOMATOUS POLYPOSIS, AUTOSOMAL RECESSIVE; ADENOMAS, MULTIPLE COLORECTAL, AUTOSOMAL RECESSIVE; MUTYH-related attenuated familial adenomatous polyposis; Adenomas, multiple colorectal; FAP type 2. Identifiers: Orphanet 220460, Orphanet 247798, MedGen C3272841, MONDO:0012041, OMIM 608456.

gnomAD v4.1: 5 of 1,614,222 alleles (0.00031%); highest among the groups gnomAD compares: African/African-American, 0.0027%; no homozygotes.

Submissions (8):

Center for Genomic Medicine, Rigshospitalet, Copenhagen University Hospital
Classification: Uncertain significance. Last evaluated: 2025-12-29. Review status: criteria provided, single submitter. Criteria: ACMG Guidelines, 2015. Collection method: clinical testing. Allele origin: germline.

Labcorp Genetics (formerly Invitae), Labcorp
Classification: Uncertain significance for Familial adenomatous polyposis 2. Last evaluated: 2025-11-21. Review status: criteria provided, single submitter. Criteria: Invitae Variant Classification Sherloc (09022015). Collection method: clinical testing. Allele origin: germline.
Comment: This sequence change replaces arginine, which is basic and polar, with histidine, which is basic and polar, at codon 426 of the MUTYH protein (p.Arg426His). This variant is present in population databases (rs748700385, gnomAD 0.003%). This variant has not been reported in the literature in individuals affected with MUTYH-related conditions. ClinVar contains an entry for this variant (Variation ID: 480008). An algorithm developed to predict the effect of missense changes on protein structure and function (PolyPhen-2) suggests that this variant is likely to be tolerated. In summary, the available evidence is currently insufficient to determine the role of this variant in disease. Therefore, it has been classified as a Variant of Uncertain Significance.

Ambry Genetics
Classification: Benign for Hereditary cancer-predisposing syndrome. Last evaluated: 2025-09-09. Review status: criteria provided, single submitter. Criteria: Ambry Variant Classification Scheme 2023. Collection method: clinical testing. Allele origin: germline.

GeneDx
Classification: Uncertain significance. Last evaluated: 2024-11-13. Review status: criteria provided, single submitter. Criteria: GeneDx Variant Classification Process June 2021. Collection method: clinical testing. Allele origin: germline. Affected: yes.
Comment: Not observed at significant frequency in large population cohorts (gnomAD); In silico analysis supports that this missense variant does not alter protein structure/function; Observed in an individual with breast cancer (PMID: 33471991); This variant is associated with the following publications: (PMID: 23108399, 33471991)

Women's Health and Genetics/Laboratory Corporation of America, LabCorp
Classification: Uncertain significance. Last evaluated: 2024-07-18. Review status: criteria provided, single submitter. Criteria: LabCorp Variant Classification Summary - May 2015. Collection method: clinical testing. Allele origin: germline.
Comment: Variant summary: MUTYH c.1277G>A (p.Arg426His) results in a non-conservative amino acid change in the NUDIX hydrolase domain (IPR000086) of the encoded protein sequence. Four of five in-silico tools predict a benign effect of the variant on protein function. The variant allele was found at a frequency of 4e-06 in 251262 control chromosomes. The available data on variant occurrences in the general population are insufficient to allow any conclusion about variant significance. One large case-control study evaluating breast cancer genetic risk reported this variant was present in one individual of the case group, but was not found in the control group (Dorling_2021). These report(s) do not provide unequivocal conclusions about association of the variant with MUTYH-Associated Polyposis. To our knowledge, no experimental evidence demonstrating an impact on protein function has been reported. The following publication has been ascertained in the context of this evaluation (PMID: 33471991). ClinVar contains an entry for this variant (Variation ID: 480008). Based on the evidence outlined above, the variant was classified as uncertain significance.

Color Diagnostics, LLC DBA Color Health
Classification: Uncertain significance for Hereditary cancer-predisposing syndrome. Last evaluated: 2024-03-06. Review status: criteria provided, single submitter. Criteria: ACMG Guidelines, 2015. Collection method: clinical testing. Allele origin: germline.
Comment: This missense variant replaces arginine with histidine at codon 426 of the MUTYH protein. Computational prediction suggests that this variant may not impact protein structure and function (internally defined REVEL score threshold <= 0.5, PMID: 27666373). To our knowledge, functional studies have not been reported for this variant. This variant has not been reported in individuals affected with hereditary cancer in the literature. This variant has been identified in 1/251262 chromosomes in the general population by the Genome Aggregation Database (gnomAD). The available evidence is insufficient to determine the role of this variant in disease conclusively. Therefore, this variant is classified as a Variant of Uncertain Significance.

Baylor Genetics
Classification: Uncertain significance for Familial adenomatous polyposis 2. Last evaluated: 2023-12-05. Review status: criteria provided, single submitter. Criteria: ACMG Guidelines, 2015. Collection method: clinical testing. Allele origin: unknown.

All of Us Research Program, National Institutes of Health
Classification: Uncertain significance for Familial adenomatous polyposis 2. Last evaluated: 2023-09-17. Review status: criteria provided, single submitter. Criteria: ACMG Guidelines, 2015. Collection method: clinical testing. Allele origin: germline. Inheritance: Autosomal recessive inheritance. Observed: 1 variant allele, 1 heterozygote.
Comment: This missense variant replaces arginine with histidine at codon 426 of the MUTYH protein. Computational prediction suggests that this variant may not impact protein structure and function (internally defined REVEL score threshold <= 0.5, PMID: 27666373). To our knowledge, functional studies have not been reported for this variant. This variant has not been reported in individuals affected with hereditary cancer in the literature. This variant has been identified in 1/251262 chromosomes in the general population by the Genome Aggregation Database (gnomAD). The available evidence is insufficient to determine the role of this variant in disease conclusively. Therefore, this variant is classified as a Variant of Uncertain Significance.

This study involves interpretation of variants in research participants for the purpose of population health screening. Participant phenotype was not available at the time of variant classification. Additional details can be found in publication PMID: 35346344, PMCID: PMC8962531

Literature cited by the submitters: PubMed 33471991 (cited by Women's Health and Genetics/Laboratory Corporation of America, LabCorp).